The following is an entry in ClinVar:

NM_001374736.1(DST):c.4845G>A (p.Arg1615=)

Gene: DST (dystonin; minus strand). Cytogenetic location: 6p12.1.
Variant type: single nucleotide variant.
Coding change: c.4845G>A on transcript NM_001374736.1 (MANE Select); coding-DNA position 4845, G replaced by A.
Protein change: p.Arg1615=; no amino-acid change (arginine 1615 retained).
Molecular consequence: synonymous variant.
Genome position (GRCh38, 1-based): chr6:56,624,614, C>T on the plus strand (G>A on the coding strand, the complement: DST is on the minus strand). VCF-style: chr6-56624614-C-T. GRCh37 (hg19) VCF-style: chr6-56489412-C-T.
Other names: p.Arg1078=; c.4746G>A, p.Arg1582= (NM_001144769.5); c.4332G>A, p.Arg1444= (NM_001144770.2); c.4845G>A, p.Arg1615= (NM_001374722.1); c.4212G>A, p.Arg1404= (NM_001374729.1, NM_001374730.1, NM_001386100.1 and 1 more transcripts); c.4872G>A, p.Arg1624= (NM_001374734.1); c.3234G>A, p.Arg1078= (NM_001723.7, NM_015548.5).
Identifiers: ClinVar variation 474518 (VCV000474518.17), dbSNP rs41271870, ClinGen allele CA3870777.

ClinVar aggregate classification (germline): Benign/Likely benign. Review status: criteria provided, multiple submitters, no conflicts (2 of 4 stars). 5 submissions from 5 submitters: Benign (3); Likely benign (2). Last evaluated 2026-02-02.

Conditions:
DST-related disorder. Also called: DST-related condition; DST-related disorders.
Epidermolysis bullosa simplex 3, localized or generalized intermediate, with BP230 deficiency (EBS3). Also called: Epidermolysis bullosa simplex, autosomal recessive 2; Epidermolysis bullosa simplex due to BP230 deficiency. Identifiers: Orphanet 412181, MedGen C3809470, MONDO:0014180, OMIM 615425.
Hereditary sensory and autonomic neuropathy type 6. Also called: HSAN VI; Neuropathy, hereditary sensory and autonomic, type VI. Identifiers: Orphanet 314381, MedGen C3539003, MONDO:0013839, OMIM 614653.

Allele frequency attached by ClinVar (database versions not stated): 1000 Genomes Project 0.00439; 1000 Genomes Project 30x 0.00468; gnomAD 0.01001 and 0.01076; ExAC 0.01030; gnomAD exomes 0.01030 and 0.01313; TOPMed 0.01113; ESP Exome Variant Server 0.01376.
gnomAD v4.1: 20,720 of 1,611,390 alleles (1.3%); highest among the groups gnomAD compares: Non-Finnish European, 1.5%; 173 homozygotes.

Submissions (5):

Labcorp Genetics (formerly Invitae), Labcorp
Classification: Benign for Epidermolysis bullosa simplex 3, localized or generalized intermediate, with BP230 deficiency; Hereditary sensory and autonomic neuropathy type 6. Last evaluated: 2026-02-02. Review status: criteria provided, single submitter. Criteria: Invitae Variant Classification Sherloc (09022015). Collection method: clinical testing. Allele origin: germline.

PreventionGenetics, part of Exact Sciences
Classification: Benign for DST-related condition. Last evaluated: 2025-03-06. Review status: criteria provided, single submitter. Criteria: ACMG Guidelines, 2015. Collection method: clinical testing. Allele origin: germline.
Comment: This variant is classified as benign based on ACMG/AMP sequence variant interpretation guidelines (Richards et al. 2015 PMID: 25741868, with internal and published modifications).

GeneDx
Classification: Likely benign. Last evaluated: 2021-03-08. Review status: criteria provided, single submitter. Criteria: GeneDx Variant Classification Process June 2021. Collection method: clinical testing. Allele origin: germline. Affected: yes.

Mayo Clinic Laboratories, Mayo Clinic
Classification: Benign. Last evaluated: 2016-04-14. Review status: criteria provided, single submitter. Criteria: ACMG Guidelines, 2015. Collection method: clinical testing. Allele origin: germline. Observed: 95 variant alleles.

Breakthrough Genomics
Classification: Likely benign. Review status: criteria provided, single submitter. Criteria: ACMG Guidelines, 2015. Collection method: not provided. Allele origin: germline. Inheritance: Autosomal recessive inheritance. Affected: yes.